The following is an entry in ClinVar:

NM_139027.6(ADAMTS13):c.2067C>T (p.Ala689=)

Gene: ADAMTS13 (ADAM metallopeptidase with thrombospondin type 1 motif 13; plus strand). Cytogenetic location: 9q34.2.
Variant type: single nucleotide variant.
Coding change: c.2067C>T on transcript NM_139027.6 (MANE Select); coding-DNA position 2067, C replaced by T.
Protein change: p.Ala689=; no amino-acid change (alanine 689 retained).
Molecular consequence: synonymous variant.
Genome position (GRCh38, 1-based): chr9:133,442,497, C>T. VCF-style: chr9-133442497-C-T. GRCh37 (hg19) VCF-style: chr9-136307618-C-T.
Other names: c.2067C>T, p.Ala689= (NM_139025.5); c.1974C>T, p.Ala658= (NM_139026.6).
Identifiers: ClinVar variation 3147022 (VCV003147022.14), dbSNP rs782806565, ClinGen allele CA200933924.

ClinVar aggregate classification (germline): Likely benign. Review status: criteria provided, multiple submitters, no conflicts (2 of 4 stars). 2 submissions from 2 submitters: Likely benign (2). Last evaluated 2024-12-01.

Conditions:
Inborn genetic diseases. Identifiers: MedGen C0950123, MeSH D030342.

Allele frequency attached by ClinVar (database versions not stated): gnomAD 0.00002; TOPMed 0.00002.
gnomAD v4.1: 83 of 1,613,590 alleles (0.0051%); highest among the groups gnomAD compares: Non-Finnish European, 0.0058%; no homozygotes.

Submissions (2):

CeGaT Center for Human Genetics Tuebingen
Classification: Likely benign. Last evaluated: 2024-12-01. Review status: criteria provided, single submitter. Criteria: CeGaT Center For Human Genetics Tuebingen Variant Classification Criteria Version 2. Collection method: clinical testing. Allele origin: germline. Affected: yes. Observed: 1 variant allele.
Comment: ADAMTS13: BP4, BP7

Ambry Genetics
Classification: Likely benign for Inborn genetic diseases. Last evaluated: 2024-01-03. Review status: criteria provided, single submitter. Criteria: Ambry Variant Classification Scheme 2023. Collection method: clinical testing. Allele origin: germline.